The following is an entry in ClinVar:

NM_033225.6(CSMD1):c.2376A>G (p.Pro792=)

Gene: CSMD1 (CUB and Sushi multiple domains 1; minus strand). Cytogenetic location: 8p23.2.
Variant type: single nucleotide variant.
Coding change: c.2376A>G on transcript NM_033225.6 (MANE Select); coding-DNA position 2376, A replaced by G.
Protein change: p.Pro792=; no amino-acid change (proline 792 retained).
Molecular consequence: synonymous variant.
Genome position (GRCh38, 1-based): chr8:3,399,420, T>C on the plus strand (A>G on the coding strand, the complement: CSMD1 is on the minus strand). VCF-style: chr8-3399420-T-C. GRCh37 (hg19) VCF-style: chr8-3256942-T-C.
Identifiers: ClinVar variation 2658342 (VCV002658342.24), dbSNP rs771033776, ClinGen allele CA4608398.
Genomic context (GRCh38, chr8:3,399,420, plus strand): 5'-GGGTCCAAATGAAGACTAATTTTTTTCTTACCTGTCAAAAGTTATTTTGATAGAGTGGCC[T>C]GGTTTTGCTTCAATTATCCATTCACAATGTAAAGAATCCTTATAATATCCTGGCCATCCA-3'
Protein context (NP_150094.5, residues 782-802): LHCEWIIEAK[Pro792=]GHSIKITFDR

ClinVar aggregate classification (germline): Likely benign (1 of 4 stars; one submission).

Allele frequency attached by ClinVar (database versions not stated): ExAC 0.00001.
gnomAD v4.1: 2 of 1,606,634 alleles (0.00012%); highest among the groups gnomAD compares: Non-Finnish European, 0.00017%; no homozygotes.

Submission:

CeGaT Center for Human Genetics Tuebingen
Classification: Likely benign. Last evaluated: 2022-04-01. Review status: criteria provided, single submitter. Criteria: CeGaT Center For Human Genetics Tuebingen Variant Classification Criteria Version 2. Collection method: clinical testing. Allele origin: germline. Affected: yes. Observed: 1 variant allele.
Comment: CSMD1: BP4, BP7